The following is an entry in ClinVar:

ClinVar aggregate classification (germline): Uncertain significance (1 of 4 stars; one submission).

Conditions:
Cardiovascular phenotype. Identifiers: MedGen CN230736.

Submission:

Ambry Genetics
Classification: Uncertain significance for Cardiovascular phenotype. Last evaluated: 2025-02-22. Review status: criteria provided, single submitter. Criteria: Ambry Variant Classification Scheme 2023. Collection method: clinical testing. Allele origin: germline.
Comment: The p.Y1134H variant (also known as c.3400T>C), located in coding exon 9 of the AKAP9 gene, results from a T to C substitution at nucleotide position 3400. The tyrosine at codon 1134 is replaced by histidine, an amino acid with similar properties. This amino acid position is conserved. In addition, this alteration is predicted to be tolerated by in silico analysis. Based on the available evidence, the clinical significance of this variant remains unclear.

NM_005751.5(AKAP9):c.3400T>C (p.Tyr1134His)

Gene: AKAP9 (A-kinase anchoring protein 9; plus strand). Cytogenetic location: 7q21.2.
Variant type: single nucleotide variant.
Coding change: c.3400T>C on transcript NM_005751.5 (MANE Select); coding-DNA position 3400, T replaced by C.
Protein change: p.Tyr1134His; replaces tyrosine 1134 with histidine.
Molecular consequence: missense variant.
Genome position (GRCh38, 1-based): chr7:92,012,510, T>C. VCF-style: chr7-92012510-T-C. GRCh37 (hg19) VCF-style: chr7-91641824-T-C.
Other names: c.3400T>C, p.Tyr1134His (NM_147185.3); short protein forms Y1134H.
Identifiers: ClinVar variation 3849756 (VCV003849756.1).